The following is an entry in ClinVar:

NM_002292.4(LAMB2):c.3123C>A (p.Asn1041Lys)

Gene: LAMB2 (laminin subunit beta 2; minus strand). Cytogenetic location: 3p21.31.
Variant type: single nucleotide variant.
Coding change: c.3123C>A on transcript NM_002292.4 (MANE Select); coding-DNA position 3123, C replaced by A.
Protein change: p.Asn1041Lys; replaces asparagine 1041 with lysine.
Molecular consequence: missense variant.
Genome position (GRCh38, 1-based): chr3:49,124,599, G>T on the plus strand (C>A on the coding strand, the complement: LAMB2 is on the minus strand). VCF-style: chr3-49124599-G-T. GRCh37 (hg19) VCF-style: chr3-49162032-G-T.
Other names: short protein forms N1041K.
Identifiers: ClinVar variation 1376352 (VCV001376352.6), dbSNP rs754842572, ClinGen allele CA2394114.

ClinVar aggregate classification (germline): Uncertain significance (1 of 4 stars; one submission).

Conditions:
LAMB2-related infantile-onset nephrotic syndrome. Also called: Nephrotic Syndrome, type 5; NEPHROTIC SYNDROME, TYPE 5, WITHOUT OCULAR ABNORMALITIES; NEPHROTIC SYNDROME, TYPE 5, WITH OCULAR ABNORMALITIES. Identifiers: Orphanet 306507, MedGen C3280113, MONDO:0013621, OMIM 614199.
Pierson syndrome. Also called: MICROCORIA-CONGENITAL NEPHROTIC SYNDROME. Identifiers: Orphanet 2670, MedGen C1836876, MONDO:0012184, OMIM 609049.

Allele frequency attached by ClinVar (database versions not stated): gnomAD exomes 0.00001; ExAC 0.00002.
gnomAD v4.1: 4 of 1,613,686 alleles (0.00025%); highest among the groups gnomAD compares: Non-Finnish European, 0.00025%; no homozygotes.

Submission:

Labcorp Genetics (formerly Invitae), Labcorp
Classification: Uncertain significance for LAMB2-related infantile-onset nephrotic syndrome; Pierson syndrome. Last evaluated: 2022-11-15. Review status: criteria provided, single submitter. Criteria: Invitae Variant Classification Sherloc (09022015). Collection method: clinical testing. Allele origin: germline.
Comment: In summary, the available evidence is currently insufficient to determine the role of this variant in disease. Therefore, it has been classified as a Variant of Uncertain Significance. Algorithms developed to predict the effect of missense changes on protein structure and function (SIFT, PolyPhen-2, Align-GVGD) all suggest that this variant is likely to be disruptive. ClinVar contains an entry for this variant (Variation ID: 1376352). This variant has not been reported in the literature in individuals affected with LAMB2-related conditions. This variant is present in population databases (rs754842572, gnomAD 0.006%). This sequence change replaces asparagine, which is neutral and polar, with lysine, which is basic and polar, at codon 1041 of the LAMB2 protein (p.Asn1041Lys).